The following is an entry in ClinVar:

NM_016222.4(DDX41):c.584G>T (p.Gly195Val)

Gene: DDX41 (DEAD-box helicase 41; minus strand). Cytogenetic location: 5q35.3.
Variant type: single nucleotide variant.
Coding change: c.584G>T on transcript NM_016222.4 (MANE Select); coding-DNA position 584, G replaced by T.
Protein change: p.Gly195Val; replaces glycine 195 with valine.
Molecular consequence: missense variant.
Genome position (GRCh38, 1-based): chr5:177,515,246, C>A on the plus strand (G>T on the coding strand, the complement: DDX41 is on the minus strand). VCF-style: chr5-177515246-C-A. GRCh37 (hg19) VCF-style: chr5-176942247-C-A.
Other names: c.206G>T, p.Gly69Val (NM_001321732.2, NM_001321830.2); short protein forms G69V, G195V.
Identifiers: ClinVar variation 2770730 (VCV002770730.3), dbSNP rs745329544, ClinGen allele CA3585097.
Genomic context (GRCh38, chr5:177,515,246, plus strand): 5'-ATGGTGGGGATGCCCTGGATCTGAATGGGTGTTGGGTGGTGAATGCCTTTCTTCTTCAGG[C>A]CTCTCAGGATGGCTATGAAAACCAACCGACATCGTCTTCATGACTCACAGGTACTTTCTC-3'
Protein context (NP_057306.2, residues 185-205): EMKFPAAILR[Gly195Val]LKKKGIHHPT

ClinVar aggregate classification (germline): Uncertain significance (1 of 4 stars; one submission).

Allele frequency attached by ClinVar (database versions not stated): ExAC 0.00001.
gnomAD v4.1: 1 of 1,614,014 alleles (0.000062%); highest among the groups gnomAD compares: Non-Finnish European, 0.000085%; no homozygotes.

Submission:

Labcorp Genetics (formerly Invitae), Labcorp
Classification: Uncertain significance. Last evaluated: 2023-10-22. Review status: criteria provided, single submitter. Criteria: Invitae Variant Classification Sherloc (09022015). Collection method: clinical testing. Allele origin: germline.
Comment: This sequence change replaces glycine, which is neutral and non-polar, with valine, which is neutral and non-polar, at codon 195 of the DDX41 protein (p.Gly195Val). This variant is present in population databases (rs745329544, gnomAD 0.0009%). This variant has not been reported in the literature in individuals affected with DDX41-related conditions. An algorithm developed to predict the effect of missense changes on protein structure and function (PolyPhen-2) suggests that this variant is likely to be disruptive. In summary, the available evidence is currently insufficient to determine the role of this variant in disease. Therefore, it has been classified as a Variant of Uncertain Significance.